The following is an entry in ClinVar:

NM_000343.4(SLC5A1):c.1066G>A (p.Gly356Ser)

Gene: SLC5A1 (solute carrier family 5 member 1; plus strand). Cytogenetic location: 22q12.3.
Variant type: single nucleotide variant.
Coding change: c.1066G>A on transcript NM_000343.4 (MANE Select); coding-DNA position 1066, G replaced by A.
Protein change: p.Gly356Ser; replaces glycine 356 with serine.
Molecular consequence: missense variant.
Genome position (GRCh38, 1-based): chr22:32,086,264, G>A. VCF-style: chr22-32086264-G-A. GRCh37 (hg19) VCF-style: chr22-32482251-G-A.
Other names: c.685G>A, p.Gly229Ser (NM_001256314.2); short protein forms G229S, G356S.
Identifiers: ClinVar variation 1523580 (VCV001523580.8), dbSNP rs141412905, ClinGen allele CA10198142.

ClinVar aggregate classification (germline): Uncertain significance. Review status: criteria provided, multiple submitters, no conflicts (2 of 4 stars). 3 submissions from 3 submitters: Uncertain significance (3). Last evaluated 2025-08-06.

Conditions:
Congenital glucose-galactose malabsorption (GGM). Also called: DIARRHEA 16; MONOSACCHARIDE MALABSORPTION. Identifiers: Orphanet 35710, MedGen C0268186, MONDO:0011731, OMIM 606824.

Allele frequency attached by ClinVar (database versions not stated): TOPMed 0.00014; 1000 Genomes Project 30x 0.00016; 1000 Genomes Project 0.00020; ESP Exome Variant Server 0.00023; ExAC 0.00024; gnomAD exomes 0.00029; gnomAD 0.00019.
gnomAD v4.1: 430 of 1,614,014 alleles (0.027%); highest among the groups gnomAD compares: Middle Eastern, 0.033%; no homozygotes.

Submissions (3):

3billion
Classification: Uncertain significance for Congenital glucose-galactose malabsorption. Last evaluated: 2025-08-06. Review status: criteria provided, single submitter. Criteria: ACMG Guidelines, 2015. Collection method: clinical testing. Allele origin: germline. Affected: yes.
Comment: The variant is observed at an extremely low frequency in the gnomAD v4.1.0 dataset (total allele frequency: 0.027%). Predicted Consequence/Location: Missense variant In silico tool predictions suggest damaging effect of the variant on gene or gene product [REVEL: 0.72 (>=0.6, sensitivity 0.68 and specificity 0.92); 3Cnet: 0.19 (> 0.75, sensitivity 0.96 and precision 0.92)]. The variant has been reported as of uncertain significance (ClinVar ID: VCV001523580). Therefore, this variant is classified as VUS according to the recommendation of ACMG/AMP guideline.

Fulgent Genetics
Classification: Uncertain significance for Congenital glucose-galactose malabsorption. Last evaluated: 2024-03-22. Review status: criteria provided, single submitter. Criteria: ACMG Guidelines, 2015. Collection method: clinical testing. Allele origin: germline.

Labcorp Genetics (formerly Invitae), Labcorp
Classification: Uncertain significance for Congenital glucose-galactose malabsorption. Last evaluated: 2022-02-10. Review status: criteria provided, single submitter. Criteria: Invitae Variant Classification Sherloc (09022015). Collection method: clinical testing. Allele origin: germline.
Comment: This sequence change replaces glycine, which is neutral and non-polar, with serine, which is neutral and polar, at codon 356 of the SLC5A1 protein (p.Gly356Ser). This variant is present in population databases (rs141412905, gnomAD 0.2%). This variant has not been reported in the literature in individuals affected with SLC5A1-related conditions. Algorithms developed to predict the effect of missense changes on protein structure and function are either unavailable or do not agree on the potential impact of this missense change (SIFT: "Deleterious"; PolyPhen-2: "Possibly Damaging"; Align-GVGD: "Class C0"). In summary, the available evidence is currently insufficient to determine the role of this variant in disease. Therefore, it has been classified as a Variant of Uncertain Significance.